The following is an entry in ClinVar:

ClinVar aggregate classification (germline): Uncertain significance (1 of 4 stars; one submission).

Submission:

GeneDx
Classification: Uncertain significance. Last evaluated: 2023-05-03. Review status: criteria provided, single submitter. Criteria: GeneDx Variant Classification Process June 2021. Collection method: clinical testing. Allele origin: germline. Affected: yes.
Comment: Not observed at significant frequency in large population cohorts (gnomAD); In silico analysis supports that this missense variant does not alter protein structure/function; Has not been previously published as pathogenic or benign to our knowledge

NM_002739.5(PRKCG):c.1004A>T (p.Lys335Met)

Gene: PRKCG (protein kinase C gamma; plus strand). Cytogenetic location: 19q13.42.
Variant type: single nucleotide variant.
Coding change: c.1004A>T on transcript NM_002739.5 (MANE Select); coding-DNA position 1004, A replaced by T.
Protein change: p.Lys335Met; replaces lysine 335 with methionine.
Molecular consequence: missense variant.
Genome position (GRCh38, 1-based): chr19:53,898,023, A>T. VCF-style: chr19-53898023-A-T. GRCh37 (hg19) VCF-style: chr19-54401277-A-T.
Other names: c.1004A>T, p.Lys335Met (NM_001316329.2); short protein forms K335M.
Identifiers: ClinVar variation 3343333 (VCV003343333.1).